The following is an entry in ClinVar:

ClinVar aggregate classification (germline): Uncertain significance (1 of 4 stars; one submission).

Conditions:
Hereditary cancer-predisposing syndrome. Also called: Neoplastic Syndromes, Hereditary; Tumor predisposition; Hereditary Cancer Syndrome; Hereditary neoplastic syndrome. Identifiers: Orphanet 140162, MedGen C0027672, MeSH D009386, MONDO:0015356.

Submission:

Ambry Genetics
Classification: Uncertain significance for Hereditary cancer-predisposing syndrome. Last evaluated: 2021-02-17. Review status: criteria provided, single submitter. Criteria: Ambry Variant Classification Scheme 2023. Collection method: clinical testing. Allele origin: germline.
Comment: The c.376-4G>T intronic variant results from a G to T substitution 4 nucleotides upstream from coding exon 6 in the BAP1 gene. This nucleotide position is poorly conserved in available vertebrate species. In silico splice site analysis predicts that this alteration will not have any significant effect on splicing. Since supporting evidence is limited at this time, the clinical significance of this alteration remains unclear.

NM_004656.4(BAP1):c.376-4G>T

Gene: BAP1 (BRCA1 associated deubiquitinase 1; minus strand). Cytogenetic location: 3p21.1.
Variant type: single nucleotide variant.
Coding change: c.376-4G>T on transcript NM_004656.4 (MANE Select); 4 bases into the intron before coding-DNA position 376, G replaced by T.
Molecular consequence: intron variant.
Genome position (GRCh38, 1-based): chr3:52,407,464, C>A on the plus strand (G>T on the coding strand, the complement: BAP1 is on the minus strand). VCF-style: chr3-52407464-C-A. GRCh37 (hg19) VCF-style: chr3-52441480-C-A.
Identifiers: ClinVar variation 1734704 (VCV001734704.2), dbSNP rs369277958, ClinGen allele CA2580070286.